The following is an entry in ClinVar:

ClinVar aggregate classification (germline): Conflicting classifications of pathogenicity. Review status: criteria provided, conflicting classifications (1 of 4 stars). 10 submissions from 10 submitters: Uncertain significance (2); Likely benign (7). 1 of the submissions does not count toward it. Last evaluated 2026-01-31.

Conditions:
ATM-related disorder. Also called: ATM-related disorders; ATM-related condition.
Hereditary cancer-predisposing syndrome. Also called: Tumor predisposition; Hereditary Cancer Syndrome; Neoplastic Syndromes, Hereditary; Hereditary neoplastic syndrome. Identifiers: Orphanet 140162, MedGen C0027672, MeSH D009386, MONDO:0015356.
Familial cancer of breast. Also called: BREAST CANCER, FAMILIAL; Hereditary breast cancer; hereditary breast carcinoma. Identifiers: Orphanet 227535, MedGen C0346153, MONDO:0016419, OMIM 114480. Disease mechanism: loss of function.
Ataxia-telangiectasia syndrome (AT). Also called: LOUIS-BAR SYNDROME; Cerebello-oculocutaneous telangiectasia; Immunodeficiency with ataxia telangiectasia; ATAXIA-TELANGIECTASIA, COMPLEMENTATION GROUP A; ATAXIA-TELANGIECTASIA, FRESNO VARIANT; Ataxia-telangiectasia. Identifiers: Orphanet 100, MedGen C0004135, MONDO:0008840, OMIM 208900.

Allele frequency attached by ClinVar (database versions not stated): gnomAD 0.00003 and 0.00004; TOPMed 0.00006; gnomAD exomes 0.00010 and 0.00020; ExAC 0.00016.
gnomAD v4.1: 62 of 1,613,870 alleles (0.0038%); highest among the groups gnomAD compares: Admixed American, 0.1%; no homozygotes.

Submissions (10):

Labcorp Genetics (formerly Invitae), Labcorp
Classification: Likely benign for Ataxia-telangiectasia syndrome. Last evaluated: 2026-01-31. Review status: criteria provided, single submitter. Criteria: Invitae Variant Classification Sherloc (09022015). Collection method: clinical testing. Allele origin: germline.

Quest Diagnostics Nichols Institute San Juan Capistrano
Classification: Likely benign. Last evaluated: 2025-02-13. Review status: criteria provided, single submitter. Criteria: Quest Diagnostics criteria. Collection method: clinical testing. Allele origin: unknown.

Color Diagnostics, LLC DBA Color Health
Classification: Likely benign for Hereditary cancer-predisposing syndrome. Last evaluated: 2024-09-19. Review status: criteria provided, single submitter. Criteria: ACMG Guidelines, 2015. Collection method: clinical testing. Allele origin: germline.

Myriad Genetics, Inc.
Classification: Likely benign for Familial cancer of breast. Last evaluated: 2024-05-20. Review status: criteria provided, single submitter. Criteria: Myriad Autosomal Dominant, Autosomal Recessive and X-Linked Classification Criteria (2023). Collection method: clinical testing. Allele origin: unknown.
Comment: This variant is considered likely benign. This variant is strongly associated with less severe personal and family histories of cancer, typical for individuals without pathogenic variants in this gene [PMID: 25085752].

Mayo Clinic Laboratories, Mayo Clinic
Classification: Uncertain significance. Last evaluated: 2023-02-22. Review status: criteria provided, single submitter. Criteria: ACMG Guidelines, 2015. Collection method: clinical testing. Allele origin: germline. Observed: 2 variant alleles.
Comment: BP4

Women's Health and Genetics/Laboratory Corporation of America, LabCorp
Classification: Likely benign. Last evaluated: 2023-01-03. Review status: criteria provided, single submitter. Criteria: LabCorp Variant Classification Summary - May 2015. Collection method: clinical testing. Allele origin: germline.
Comment: Variant summary: ATM c.4606A>G (p.Lys1536Glu) results in a conservative amino acid change in the encoded protein sequence. Five of five in-silico tools predict a benign effect of the variant on protein function. The variant allele was found at a frequency of 0.0002 in 251246 control chromosomes, predominantly at a frequency of 0.0014 within the Latino subpopulation in the gnomAD database. The observed variant frequency within Latino control individuals in the gnomAD database is approximately 1.4 fold of the estimated maximal expected allele frequency for a pathogenic variant in ATM causing Breast Cancer phenotype (0.001), strongly suggesting that the variant is a benign polymorphism found primarily in populations of Latino origin. c.4606A>G has been reported in the literature in Latino individuals affected with breast and colorectal cancer, however, authors classifed the variant as VUS (examples: Ricker_2017 and Weitzel_2019) . These report(s) do not provide unequivocal conclusions about association of the variant with Breast Cancer. To our knowledge, no experimental evidence demonstrating an impact on protein function has been reported. Six clinical diagnostic laboratories have submitted clinical-significance assessments for this variant to ClinVar after 2014 and classified the variant as VUS (n=2) and likely benign (n=4). Based on the evidence outlined above, the variant was classified as likely benign.

Sema4
Classification: Uncertain significance for Hereditary cancer-predisposing syndrome. Last evaluated: 2021-05-30. Review status: criteria provided, single submitter. Criteria: Sema4 Curation Guidelines. Collection method: curation. Allele origin: germline.
Comment: The ATM c.4606A>G (p.K1536E) variant has been reported in heterozygosity in at least two individuals, one with breast cancer and the other with PTEN hamartoma tumor syndrome (PMID: 33471991, 29684080). This variant was observed in 52/35422 chromosomes in the Latino population, with no homozygotes, according to the Genome Aggregation Database (PMID: 32461654) and has been reported in ClinVar (Variation ID: 127393). In silico tools suggest the impact of the variant on protein function is benign, though these predictions have not been confirmed by functional studies. Based on the current evidence available, this variant is interpreted as a variant of uncertain significance.

GeneDx
Classification: Likely benign. Last evaluated: 2020-09-15. Review status: criteria provided, single submitter. Criteria: GeneDx Variant Classification Process June 2021. Collection method: clinical testing. Allele origin: germline. Affected: yes.

Ambry Genetics
Classification: Likely benign for Hereditary cancer-predisposing syndrome. Last evaluated: 2019-04-24. Review status: criteria provided, single submitter. Criteria: Ambry Variant Classification Scheme 2023. Collection method: clinical testing. Allele origin: germline.

PreventionGenetics, part of Exact Sciences
Classification: Likely benign for ATM-related condition. Last evaluated: 2024-01-05. Review status: no assertion criteria provided. Collection method: clinical testing. Allele origin: germline. Not counted in ClinVar's aggregate classification.
Comment: This variant is classified as likely benign based on ACMG/AMP sequence variant interpretation guidelines (Richards et al. 2015 PMID: 25741868, with internal and published modifications).

Literature cited by the submitters: PubMed 25085752 (cited by Myriad Genetics, Inc.); PubMed 20305132 (cited by Women's Health and Genetics/Laboratory Corporation of America, LabCorp); PubMed 28640387 (cited by Women's Health and Genetics/Laboratory Corporation of America, LabCorp); PubMed 31206626 (cited by Women's Health and Genetics/Laboratory Corporation of America, LabCorp); PubMed 33471991 (cited by Sema4); PubMed 29684080 (cited by Sema4).

NM_000051.4(ATM):c.4606A>G (p.Lys1536Glu)

Gene: ATM (ATM serine/threonine kinase; plus strand). Cytogenetic location: 11q22.3.
Variant type: single nucleotide variant.
Coding change: c.4606A>G on transcript NM_000051.4 (MANE Select); coding-DNA position 4606, A replaced by G.
Protein change: p.Lys1536Glu; replaces lysine 1536 with glutamic acid.
Molecular consequence: missense variant.
Genome position (GRCh38, 1-based): chr11:108,292,788, A>G. VCF-style: chr11-108292788-A-G. GRCh37 (hg19) VCF-style: chr11-108163515-A-G.
Other names: p.K1536E:AAA>GAA; c.4606A>G, p.Lys1536Glu (NM_001351834.2); short protein forms K1536E.
Identifiers: ClinVar variation 127393 (VCV000127393.65), dbSNP rs587779841, ClinGen allele CA286858.